The following is an entry in ClinVar:

NM_004113.6(FGF12):c.211G>A (p.Gly71Ser)

Gene: FGF12 (fibroblast growth factor 12; minus strand). Cytogenetic location: 3q28.
Variant type: single nucleotide variant.
Coding change: c.211G>A on transcript NM_004113.6 (MANE Select); coding-DNA position 211, G replaced by A.
Protein change: p.Gly71Ser; replaces glycine 71 with serine.
Molecular consequence: missense variant.
Genome position (GRCh38, 1-based): chr3:192,335,378, C>T on the plus strand (G>A on the coding strand, the complement: FGF12 is on the minus strand). VCF-style: chr3-192335378-C-T. GRCh37 (hg19) VCF-style: chr3-192053167-C-T.
Other names: c.100G>A, p.Gly34Ser (NM_001377292.1); c.139G>A, p.Gly47Ser (NM_001377293.1, NM_001377294.1); c.397G>A, p.Gly133Ser (NM_021032.5); short protein forms G133S, G34S, G47S, G71S.
Identifiers: ClinVar variation 2631454 (VCV002631454.1), dbSNP rs2474335490, ClinGen allele CA355866337.

ClinVar aggregate classification (germline): Uncertain significance (1 of 4 stars; one submission).

Conditions:
FGF12-related disorder. Also called: FGF12-related condition.

Allele frequency attached by ClinVar (database versions not stated): gnomAD exomes below 0.00001.
gnomAD v4.1: 1 of 1,611,852 alleles (0.000062%); highest among the groups gnomAD compares: Non-Finnish European, 0.000085%; no homozygotes.

Submission:

PreventionGenetics, part of Exact Sciences
Classification: Uncertain significance for FGF12-related condition. Last evaluated: 2023-07-16. Review status: criteria provided, single submitter. Criteria: ACMG Guidelines, 2015. Collection method: clinical testing. Allele origin: germline.
Comment: The FGF12 c.397G>A variant is predicted to result in the amino acid substitution p.Gly133Ser. To our knowledge, this variant has not been reported in the literature or in a large population database, indicating this variant is rare. At this time, the clinical significance of this variant is uncertain due to the absence of conclusive functional and genetic evidence.